The following is an entry in ClinVar:

NM_016441.3(CRIM1):c.1308C>G (p.Thr436=)

Gene: CRIM1 (cysteine rich transmembrane BMP regulator 1). Cytogenetic location: 2p22.2.
Variant type: single nucleotide variant.
Coding change: c.1308C>G on transcript NM_016441.3 (MANE Select); coding-DNA position 1308, C replaced by G.
Protein change: p.Thr436=; no amino-acid change (threonine 436 retained).
Molecular consequence: synonymous variant.
Genome position (GRCh38, 1-based): chr2:36,479,630, C>G. VCF-style: chr2-36479630-C-G. GRCh37 (hg19) VCF-style: chr2-36706773-C-G.
Identifiers: ClinVar variation 3044876 (VCV003044876.2), dbSNP rs77551206, ClinGen allele CA1610152.

ClinVar aggregate classification (germline): Likely benign (0 of 4 stars; one submission).

Conditions:
CRIM1-related disorder. Also called: CRIM1-related condition.

Allele frequency attached by ClinVar (database versions not stated): TOPMed 0.00140; ESP Exome Variant Server 0.00146; 1000 Genomes Project 0.00220; 1000 Genomes Project 30x 0.00250.
gnomAD v4.1: 379 of 1,614,212 alleles (0.023%); highest among the groups gnomAD compares: African/African-American, 0.47%; 1 homozygote.

Submission:

PreventionGenetics, part of Exact Sciences
Classification: Likely benign for CRIM1-related condition. Last evaluated: 2019-06-03. Review status: no assertion criteria provided. Collection method: clinical testing. Allele origin: germline.
Comment: This variant is classified as likely benign based on ACMG/AMP sequence variant interpretation guidelines (Richards et al. 2015 PMID: 25741868, with internal and published modifications).